The following is an entry in ClinVar:

NM_003119.4(SPG7):c.1727C>G (p.Ser576Trp)

Gene: SPG7 (SPG7 matrix AAA peptidase subunit, paraplegin; plus strand). Cytogenetic location: 16q24.3.
Variant type: single nucleotide variant.
Coding change: c.1727C>G on transcript NM_003119.4 (MANE Select); coding-DNA position 1727, C replaced by G.
Protein change: p.Ser576Trp; replaces serine 576 with tryptophan.
Molecular consequence: missense variant.
Genome position (GRCh38, 1-based): chr16:89,550,557, C>G. VCF-style: chr16-89550557-C-G. GRCh37 (hg19) VCF-style: chr16-89616965-C-G.
Other names: p.S576W:TCG>TGG; c.1727C>G, p.Ser576Trp (NM_001363850.1); short protein forms S576W.
Identifiers: ClinVar variation 215223 (VCV000215223.56), dbSNP rs151249432, ClinGen allele CA322015.

ClinVar aggregate classification (germline): Conflicting classifications of pathogenicity. Review status: criteria provided, conflicting classifications (1 of 4 stars). 8 submissions from 8 submitters: Pathogenic (1); Likely pathogenic (5); Uncertain significance (2). Last evaluated 2026-01-09.

Conditions:
SPG7-related disorder. Also called: SPG7-related condition.
Hereditary spastic paraplegia. Also called: Familial spastic paraparesis. Identifiers: Orphanet 685, MedGen C0037773, MONDO:0019064. Disease mechanism: loss of function.
Hereditary spastic paraplegia 7 (SPG7). Also called: Spastic paraplegia 7; Hereditary spastic paraplegia Paraplegin type; Autosomal recessive spastic paraplegia type 7; SPASTIC PARAPLEGIA 7, AUTOSOMAL RECESSIVE, WITH OR WITHOUT CEREBELLAR ATAXIA; SPG7-related neurologic disorder. Identifiers: Orphanet 99013, MedGen C1846564, MONDO:0011803, OMIM 607259.

Allele frequency attached by ClinVar (database versions not stated): TOPMed 0.00002.
gnomAD v4.1: 33 of 1,613,884 alleles (0.002%); highest among the groups gnomAD compares: Non-Finnish European, 0.0027%; no homozygotes.

Submissions (8):

PreventionGenetics, part of Exact Sciences
Classification: Likely pathogenic for SPG7-related condition. Last evaluated: 2026-01-09. Review status: criteria provided, single submitter. Criteria: ACMG Guidelines, 2015. Collection method: clinical testing. Allele origin: germline.
Comment: The SPG7 c.1727C>G variant is predicted to result in the amino acid substitution p.Ser576Trp. This variant has been reported with a second SPG7 variant in several individuals with hereditary spastic paraplegia (see, for example: Kumar et al. 2013. PubMed ID: 23812641; Estiar et al. 2021. PubMed ID: 33598982; Hickman et al. 2024. PubMed ID: 38396346). This variant is reported in 0.0023% of alleles in individuals of European (non-Finnish) descent in gnomAD and is interpreted as likely pathogenic by several outside laboratories in ClinVar (ClinVar ID: 215223). We interpret this variant as likely pathogenic for autosomal recessive SPG7-related disorders.

Labcorp Genetics (formerly Invitae), Labcorp
Classification: Likely pathogenic for Hereditary spastic paraplegia 7. Last evaluated: 2025-11-05. Review status: criteria provided, single submitter. Criteria: Invitae Variant Classification Sherloc (09022015). Collection method: clinical testing. Allele origin: germline.
Comment: This sequence change replaces serine, which is neutral and polar, with tryptophan, which is neutral and slightly polar, at codon 576 of the SPG7 protein (p.Ser576Trp). This variant is present in population databases (rs151249432, gnomAD 0.002%). This missense change has been observed in individuals with autosomal recessive hereditary spastic paraplegia (PMID: 23812641; internal data). ClinVar contains an entry for this variant (Variation ID: 215223). Invitae Evidence Modeling of protein sequence and biophysical properties (such as structural, functional, and spatial information, amino acid conservation, physicochemical variation, residue mobility, and thermodynamic stability) indicates that this missense variant is expected to disrupt SPG7 protein function with a positive predictive value of 80%. In summary, the currently available evidence indicates that the variant is pathogenic, but additional data are needed to prove that conclusively. Therefore, this variant has been classified as Likely Pathogenic.

Women's Health and Genetics/Laboratory Corporation of America, LabCorp
Classification: Likely pathogenic for Hereditary spastic paraplegia 7. Last evaluated: 2025-06-13. Review status: criteria provided, single submitter. Criteria: LabCorp Variant Classification Summary - May 2015. Collection method: clinical testing. Allele origin: germline.
Comment: Variant summary: SPG7 c.1727C>G (p.Ser576Trp) results in a non-conservative amino acid change located in the Peptidase M41 domain (IPR000642) of the encoded protein sequence. Algorithms developed to predict the effect of missense changes on protein structure and function all suggest that this variant is likely to be disruptive. The variant allele was found at a frequency of 8e-06 in 251284 control chromosomes. c.1727C>G has been reported in the literature in individuals affected with features of Hereditary Spastic Paraplegia 7 (e.g. Kumar_2013, Estiar_2021, van den Ameele_2021, internal data). These data indicate that the variant is likely to be associated with disease. To our knowledge, no experimental evidence demonstrating an impact on protein function has been reported. The following publications have been ascertained in the context of this evaluation (PMID: 23812641, 33300680, 33883237, 33598982). ClinVar contains an entry for this variant (Variation ID: 215223). Based on the evidence outlined above, the variant was classified as likely pathogenic.

Blueprint Genetics
Classification: Pathogenic for SPG7-related disorders. Last evaluated: 2024-05-08. Review status: criteria provided, single submitter. Criteria: ACMG Guidelines, 2015. Collection method: clinical testing. Allele origin: germline. Affected: yes. Observed: 5 variant alleles.

GeneDx
Classification: Uncertain significance. Last evaluated: 2024-03-22. Review status: criteria provided, single submitter. Criteria: GeneDx Variant Classification Process June 2021. Collection method: clinical testing. Allele origin: germline. Affected: yes.
Comment: Identified in a patient with hereditary spastic paraplegia who had a second pathogenic SPG7 variant on the opposite allele, however the phase of these variants was not confirmed by parental segregation studies (PMID: 23812641, 32973427); Not observed at significant frequency in large population cohorts (gnomAD); In silico analysis supports that this missense variant has a deleterious effect on protein structure/function; This variant is associated with the following publications: (PMID: 31325016, 32973427, 22571692, 23812641, 33300680)

Genome Diagnostics Laboratory, The Hospital for Sick Children
Classification: Uncertain significance for Hereditary spastic paraplegia. Last evaluated: 2022-01-04. Review status: criteria provided, single submitter. Criteria: ACMG Guidelines, 2015. Collection method: clinical testing. Allele origin: germline. Affected: yes.

PROSPAX: an integrated multimodal progression  chart in spastic ataxias, Center for Neurology; Hertie-Institute for Clinical Brain Research
Classification: Likely pathogenic for Hereditary spastic paraplegia 7. Last evaluated: 2022-01-01. Review status: criteria provided, single submitter. Criteria: ACMG Guidelines, 2015. Collection method: research. Allele origin: germline. Affected: yes. Observed: 1 variant allele, 1 compound heterozygote.

CeGaT Center for Human Genetics Tuebingen
Classification: Likely pathogenic. Last evaluated: 2019-08-01. Review status: criteria provided, single submitter. Criteria: CeGaT Center For Human Genetics Tuebingen Variant Classification Criteria Version 2. Collection method: clinical testing. Allele origin: germline. Affected: yes. Observed: 3 variant alleles.

Literature cited by the submitters: PubMed 23812641 (cited by Labcorp Genetics (formerly Invitae), Labcorp and Women's Health and Genetics/Laboratory Corporation of America, LabCorp); PubMed 33883237 (cited by Women's Health and Genetics/Laboratory Corporation of America, LabCorp); PubMed 33300680 (cited by Women's Health and Genetics/Laboratory Corporation of America, LabCorp); PubMed 33598982 (cited by Women's Health and Genetics/Laboratory Corporation of America, LabCorp).